The following is an entry in ClinVar:

NM_001367721.1(CASK):c.114T>G (p.Phe38Leu)

Gene: CASK (calcium/calmodulin dependent serine protein kinase; minus strand). Cytogenetic location: Xp11.4.
Variant type: single nucleotide variant.
Coding change: c.114T>G on transcript NM_001367721.1 (MANE Select); coding-DNA position 114, T replaced by G.
Protein change: p.Phe38Leu; replaces phenylalanine 38 with leucine.
Molecular consequence: missense variant.
Genome position (GRCh38, 1-based): chrX:41,853,173, A>C on the plus strand (T>G on the coding strand, the complement: CASK is on the minus strand). VCF-style: chrX-41853173-A-C. GRCh37 (hg19) VCF-style: chrX-41712426-A-C.
Other names: c.114T>G, p.Phe38Leu (NM_001126054.3, NM_001126055.3, NM_001410745.1 and 1 more transcripts); short protein forms F38L.
Identifiers: ClinVar variation 4741934 (VCV004741934.1).

ClinVar aggregate classification (germline): Uncertain significance (1 of 4 stars; one submission).

Conditions:
Intellectual disability, CASK-related, X-linked. Identifiers: MedGen CN043158.

Submission:

Labcorp Genetics (formerly Invitae), Labcorp
Classification: Uncertain significance for Intellectual disability, CASK-related, X-linked. Last evaluated: 2025-02-12. Review status: criteria provided, single submitter. Criteria: Invitae Variant Classification Sherloc (09022015). Collection method: clinical testing. Allele origin: germline.
Comment: This sequence change replaces phenylalanine, which is neutral and non-polar, with leucine, which is neutral and non-polar, at codon 38 of the CASK protein (p.Phe38Leu). This variant is not present in population databases (gnomAD no frequency). This variant has not been reported in the literature in individuals affected with CASK-related conditions. Invitae Evidence Modeling of protein sequence and biophysical properties (such as structural, functional, and spatial information, amino acid conservation, physicochemical variation, residue mobility, and thermodynamic stability) indicates that this missense variant is not expected to disrupt CASK protein function with a negative predictive value of 80%. In summary, the available evidence is currently insufficient to determine the role of this variant in disease. Therefore, it has been classified as a Variant of Uncertain Significance.